The following is an entry in ClinVar:

ClinVar aggregate classification (germline): Conflicting classifications of pathogenicity. Review status: criteria provided, conflicting classifications (1 of 4 stars). 5 submissions from 5 submitters: Uncertain significance (1); Likely benign (4). Last evaluated 2026-01-28.

Conditions:
Inborn genetic diseases. Identifiers: MedGen C0950123, MeSH D030342.
Developmental and epileptic encephalopathy, 9 (DEE9). Also called: PCDH19-Related X-Linked Female-Limited Epilepsy with Mental Retardation; Early infantile epileptic encephalopathy 9; JUBERG-HELLMAN SYNDROME; EPILEPSY, FEMALE-RESTRICTED, WITH MENTAL RETARDATION. Identifiers: Orphanet 101039, Orphanet 2076, MedGen C1848137, MONDO:0010246, OMIM 300088. Disease mechanism: loss of function.

Allele frequency attached by ClinVar (database versions not stated): 1000 Genomes Project 0.00053; ESP Exome Variant Server 0.00061; gnomAD exomes 0.00008 and 0.00012; ExAC 0.00017; gnomAD 0.00037 and 0.00040; 1000 Genomes Project 30x 0.00042; TOPMed 0.00042.
gnomAD v4.1: 126 of 1,202,871 alleles (0.01%); highest among the groups gnomAD compares: African/African-American, 0.11%; no homozygotes.

Submissions (5):

Labcorp Genetics (formerly Invitae), Labcorp
Classification: Likely benign for Developmental and epileptic encephalopathy, 9. Last evaluated: 2026-01-28. Review status: criteria provided, single submitter. Criteria: Invitae Variant Classification Sherloc (09022015). Collection method: clinical testing. Allele origin: germline.

Ambry Genetics
Classification: Likely benign for Inborn genetic diseases. Last evaluated: 2017-09-06. Review status: criteria provided, single submitter. Criteria: Ambry Variant Classification Scheme 2023. Collection method: clinical testing. Allele origin: germline.

Center for Pediatric Genomic Medicine, Children's Mercy Hospital and Clinics
Classification: Likely benign. Last evaluated: 2017-08-15. Review status: criteria provided, single submitter. Criteria: ACMG Guidelines, 2015. Collection method: clinical testing. Allele origin: germline.

GeneDx
Classification: Likely benign. Last evaluated: 2017-07-06. Review status: criteria provided, single submitter. Criteria: GeneDx Variant Classification (06012015). Collection method: clinical testing. Allele origin: germline. Affected: yes.
Comment: This variant is considered likely benign or benign based on one or more of the following criteria: it is a conservative change, it occurs at a poorly conserved position in the protein, it is predicted to be benign by multiple in silico algorithms, and/or has population frequency not consistent with disease.

Genetic Services Laboratory, University of Chicago
Classification: Uncertain significance. Last evaluated: 2016-01-20. Review status: criteria provided, single submitter. Criteria: ACMG Guidelines, 2015. Collection method: clinical testing. Allele origin: germline. Affected: no.

NM_001184880.2(PCDH19):c.3439G>A (p.Val1147Ile)

Gene: PCDH19 (protocadherin 19; minus strand). Cytogenetic location: Xq22.1.
Variant type: single nucleotide variant.
Coding change: c.3439G>A on transcript NM_001184880.2 (MANE Select); coding-DNA position 3439, G replaced by A.
Protein change: p.Val1147Ile; replaces valine 1147 with isoleucine.
Molecular consequence: missense variant.
Genome position (GRCh38, 1-based): chrX:100,296,285, C>T on the plus strand (G>A on the coding strand, the complement: PCDH19 is on the minus strand). VCF-style: chrX-100296285-C-T. GRCh37 (hg19) VCF-style: chrX-99551283-C-T.
Other names: p.V1100I:GTT>ATT; c.3298G>A, p.Val1100Ile (NM_001105243.2); c.3295G>A, p.Val1099Ile (NM_020766.3); short protein forms V1100I, V1147I, V1099I.
Identifiers: ClinVar variation 206288 (VCV000206288.20), dbSNP rs138771033, ClinGen allele CA316225.